The following is an entry in ClinVar:

NM_144991.3(TSPEAR):c.540dup (p.Ile181fs)

Gene: TSPEAR (thrombospondin type laminin G domain and EAR repeats; minus strand). Cytogenetic location: 21q22.3.
Variant type: Duplication.
Coding change: c.540dup on transcript NM_144991.3 (MANE Select); coding-DNA position 540, one base duplicated (C; older notation c.540dupC).
Protein change: p.Ile181fs; shifts the reading frame from isoleucine 181.
Molecular consequence: frameshift variant.
Genome position (GRCh38, 1-based): chr21:44,533,687, G duplicated on the plus strand (C on the coding strand, the reverse complement: TSPEAR is on the minus strand). VCF-style (leftmost placement, unchanged base first): chr21-44533686-T-TG. GRCh37 (hg19) VCF-style: chr21-45953569-T-TG.
Other names: c.336dup, p.Ile113fs (NM_001272037.2); short protein forms I181fs, I113fs.
Identifiers: ClinVar variation 2981785 (VCV002981785.2), dbSNP rs782511247, ClinGen allele CA10056985.

ClinVar aggregate classification (germline): Pathogenic (1 of 4 stars; one submission).

Allele frequency attached by ClinVar (database versions not stated): gnomAD exomes below 0.00001; ExAC 0.00003; gnomAD 0.00003; TOPMed 0.00004.

Submission:

Labcorp Genetics (formerly Invitae), Labcorp
Classification: Pathogenic. Last evaluated: 2025-01-26. Review status: criteria provided, single submitter. Criteria: Invitae Variant Classification Sherloc (09022015). Collection method: clinical testing. Allele origin: germline.
Comment: This sequence change creates a premature translational stop signal (p.Ile181Hisfs*76) in the TSPEAR gene. It is expected to result in an absent or disrupted protein product. Loss-of-function variants in TSPEAR are known to be pathogenic (PMID: 34042254). The frequency data for this variant in the population databases is considered unreliable, as metrics indicate poor data quality at this position in the gnomAD database. This variant has not been reported in the literature in individuals affected with TSPEAR-related conditions. ClinVar contains an entry for this variant (Variation ID: 2981785). For these reasons, this variant has been classified as Pathogenic.

Literature cited by the submitters: PubMed 34042254.